The following is an entry in ClinVar:

NM_138576.4(BCL11B):c.685C>T (p.Pro229Ser)

Gene: BCL11B (BCL11 transcription factor B; minus strand). Cytogenetic location: 14q32.2.
Variant type: single nucleotide variant.
Coding change: c.685C>T on transcript NM_138576.4 (MANE Select); coding-DNA position 685, C replaced by T.
Protein change: p.Pro229Ser; replaces proline 229 with serine.
Molecular consequence: missense variant.
Genome position (GRCh38, 1-based): chr14:99,176,151, G>A on the plus strand (C>T on the coding strand, the complement: BCL11B is on the minus strand). VCF-style: chr14-99176151-G-A. GRCh37 (hg19) VCF-style: chr14-99642488-G-A.
Other names: c.682C>T, p.Pro228Ser (NM_001282237.2); c.469C>T, p.Pro157Ser (NM_001282238.2); c.472C>T, p.Pro158Ser (NM_022898.3); short protein forms P228S, P158S, P157S, P229S.
Identifiers: ClinVar variation 1463894 (VCV001463894.29), dbSNP rs749837100, ClinGen allele CA7339812.
Genomic context (GRCh38, chr14:99,176,151, plus strand): 5'-AGATGCGGAAGCCGTGCGTGTTCTGCGCGTGCTGCAGCAGGAACCACGCGCTGTTGAAGG[G>A]CTGCTTGCATGTTGTGCAAATGTAGCTGGAAGGCTCATCTTTACCTGGGGAAACACACGG-3'
Protein context (NP_612808.1, residues 219-239): SSYICTTCKQ[Pro229Ser]FNSAWFLLQH

ClinVar aggregate classification (germline): Uncertain significance. Review status: criteria provided, multiple submitters, no conflicts (2 of 4 stars). 2 submissions from 2 submitters: Uncertain significance (2). Last evaluated 2025-10-27.

Allele frequency attached by ClinVar (database versions not stated): ExAC 0.00001; gnomAD exomes 0.00002; gnomAD 0.00003.
gnomAD v4.1: 63 of 1,612,250 alleles (0.0039%); highest among the groups gnomAD compares: Non-Finnish European, 0.0051%; no homozygotes.

Submissions (2):

Labcorp Genetics (formerly Invitae), Labcorp
Classification: Uncertain significance. Last evaluated: 2025-10-27. Review status: criteria provided, single submitter. Criteria: Invitae Variant Classification Sherloc (09022015). Collection method: clinical testing. Allele origin: germline.
Comment: This sequence change replaces proline, which is neutral and non-polar, with serine, which is neutral and polar, at codon 229 of the BCL11B protein (p.Pro229Ser). This variant is present in population databases (rs749837100, gnomAD 0.005%). This variant has not been reported in the literature in individuals affected with BCL11B-related conditions. ClinVar contains an entry for this variant (Variation ID: 1463894). Invitae Evidence Modeling of protein sequence and biophysical properties (such as structural, functional, and spatial information, amino acid conservation, physicochemical variation, residue mobility, and thermodynamic stability) indicates that this missense variant is not expected to disrupt BCL11B protein function with a negative predictive value of 95%. In summary, the available evidence is currently insufficient to determine the role of this variant in disease. Therefore, it has been classified as a Variant of Uncertain Significance.

CeGaT Center for Human Genetics Tuebingen
Classification: Uncertain significance. Last evaluated: 2024-03-01. Review status: criteria provided, single submitter. Criteria: CeGaT Center For Human Genetics Tuebingen Variant Classification Criteria Version 2. Collection method: clinical testing. Allele origin: germline. Affected: yes. Observed: 1 variant allele.